The following is an entry in ClinVar:

ClinVar aggregate classification (germline): Uncertain significance (1 of 4 stars; one submission).

Conditions:
Hereditary cancer-predisposing syndrome. Also called: Neoplastic Syndromes, Hereditary; Tumor predisposition; Hereditary Cancer Syndrome; Hereditary neoplastic syndrome. Identifiers: Orphanet 140162, MedGen C0027672, MeSH D009386, MONDO:0015356.

Submission:

Ambry Genetics
Classification: Uncertain significance for Hereditary cancer-predisposing syndrome. Last evaluated: 2025-08-04. Review status: criteria provided, single submitter. Criteria: Ambry Variant Classification Scheme 2023. Collection method: clinical testing. Allele origin: germline.
Comment: The p.T355N variant (also known as c.1064C>A), located in coding exon 4 of the AXIN2 gene, results from a C to A substitution at nucleotide position 1064. The threonine at codon 355 is replaced by asparagine, an amino acid with similar properties. This amino acid position is conserved. In addition, the in silico prediction for this alteration is inconclusive. Based on the available evidence, the clinical significance of this variant remains unclear.

NM_004655.4(AXIN2):c.1064C>A (p.Thr355Asn)

Gene: AXIN2 (axin 2; minus strand). Cytogenetic location: 17q24.1.
Variant type: single nucleotide variant.
Coding change: c.1064C>A on transcript NM_004655.4 (MANE Select); coding-DNA position 1064, C replaced by A.
Protein change: p.Thr355Asn; replaces threonine 355 with asparagine.
Molecular consequence: missense variant.
Genome position (GRCh38, 1-based): chr17:65,538,339, G>T on the plus strand (C>A on the coding strand, the complement: AXIN2 is on the minus strand). VCF-style: chr17-65538339-G-T. GRCh37 (hg19) VCF-style: chr17-63534457-G-T.
Other names: c.1064C>A, p.Thr355Asn (NM_001363813.1); short protein forms T355N.
Identifiers: ClinVar variation 4188350 (VCV004188350.1).